The following is an entry in ClinVar:

ClinVar aggregate classification (germline): Uncertain significance (1 of 4 stars; one submission).

Conditions:
Methylmalonic acidemia due to transcobalamin receptor defect (MATR). Also called: METHYLMALONIC ACIDEMIA, TCblR TYPE; METHYLMALONIC ACIDURIA, TRANSIENT, DUE TO TRANSCOBALAMIN RECEPTOR DEFECT. Identifiers: Orphanet 280183, MedGen C4749905, MONDO:0013341, OMIM 613646.

Submission:

Labcorp Genetics (formerly Invitae), Labcorp
Classification: Uncertain significance for Methylmalonic acidemia due to transcobalamin receptor defect. Last evaluated: 2023-04-24. Review status: criteria provided, single submitter. Criteria: Invitae Variant Classification Sherloc (09022015). Collection method: clinical testing. Allele origin: germline.
Comment: In summary, the available evidence is currently insufficient to determine the role of this variant in disease. Therefore, it has been classified as a Variant of Uncertain Significance. This sequence change falls in intron 3 of the CD320 gene. It does not directly change the encoded amino acid sequence of the CD320 protein. It affects a nucleotide within the consensus splice site. This variant is not present in population databases (gnomAD no frequency). This variant has not been reported in the literature in individuals affected with CD320-related conditions. Variants that disrupt the consensus splice site are a relatively common cause of aberrant splicing (PMID: 17576681, 9536098). Algorithms developed to predict the effect of sequence changes on RNA splicing suggest that this variant may disrupt the consensus splice site.

Literature cited by the submitters: PubMed 17576681; PubMed 9536098.

NM_016579.4(CD320):c.502+3A>G

Gene: CD320 (CD320 molecule; minus strand). Cytogenetic location: 19p13.2.
Variant type: single nucleotide variant.
Coding change: c.502+3A>G on transcript NM_016579.4 (MANE Select); 3 bases into the intron after coding-DNA position 502, A replaced by G.
Molecular consequence: intron variant.
Genome position (GRCh38, 1-based): chr19:8,303,852, T>C on the plus strand (A>G on the coding strand, the complement: CD320 is on the minus strand). VCF-style: chr19-8303852-T-C. GRCh37 (hg19) VCF-style: chr19-8368736-T-C.
Other names: c.376+3A>G (NM_001165895.2).
Identifiers: ClinVar variation 2810545 (VCV002810545.3), dbSNP rs2512596207, ClinGen allele CA2576604904.